The following is an entry in ClinVar:

ClinVar aggregate classification (germline): Uncertain significance. Review status: criteria provided, multiple submitters, no conflicts (2 of 4 stars). 2 submissions from 2 submitters: Uncertain significance (2). Last evaluated 2025-10-23.

Conditions:
ATL3-related disorder. Also called: ATL3-related condition.
Neuropathy, hereditary sensory, type 1F. Also called: HSN IF; Hereditary sensory neuropathy type IF. Identifiers: Orphanet 36386, MedGen C3810194, MONDO:0014286, OMIM 615632.

Submissions (2):

PreventionGenetics, part of Exact Sciences
Classification: Uncertain significance for ATL3-related condition. Last evaluated: 2025-10-23. Review status: criteria provided, single submitter. Criteria: ACMG Guidelines, 2015. Collection method: clinical testing. Allele origin: germline.
Comment: The ATL3 c.1001_1003delGAG variant is predicted to result in an in-frame deletion (p.Gly334del). To our knowledge, this variant has not been reported in the literature. This variant is reported in 0.0033% of alleles in individuals of South Asian descent in gnomAD. At this time, the clinical significance of this variant is uncertain due to the absence of conclusive functional and genetic evidence.

Labcorp Genetics (formerly Invitae), Labcorp
Classification: Uncertain significance for Neuropathy, hereditary sensory, type 1F. Last evaluated: 2024-10-29. Review status: criteria provided, single submitter. Criteria: Invitae Variant Classification Sherloc (09022015). Collection method: clinical testing. Allele origin: germline.
Comment: This variant, c.1001_1003del, results in the deletion of 1 amino acid(s) of the ATL3 protein (p.Gly334del), but otherwise preserves the integrity of the reading frame. This variant is present in population databases (no rsID available, gnomAD 0.003%). This variant has not been reported in the literature in individuals affected with ATL3-related conditions. ClinVar contains an entry for this variant (Variation ID: 2852021). Experimental studies and prediction algorithms are not available or were not evaluated, and the functional significance of this variant is currently unknown. In summary, the available evidence is currently insufficient to determine the role of this variant in disease. Therefore, it has been classified as a Variant of Uncertain Significance.

NM_015459.5(ATL3):c.1001_1003del (p.Gly334del)

Genes: ATL3 (atlastin GTPase 3; minus strand), LNCROPM (lncRNA regulator of PLAAT3 mediated phospholipid metabolism; plus strand). Cytogenetic location: 11q13.1.
Variant type: Deletion.
Coding change: c.1001_1003del on transcript NM_015459.5 (MANE Select); coding-DNA positions 1001 to 1003, 3 bases deleted (GAG; older notation c.1001_1003delGAG).
Protein change: p.Gly334del; deletes glycine 334.
Molecular consequence: inframe deletion.
Genome position (GRCh38, 1-based): chr11:63,635,566-63,635,568, CTC deleted on the plus strand (GAG on the coding strand, the reverse complement: ATL3 is on the minus strand); deleting any 3 consecutive bases within chr11:63,635,566-63,635,570 gives the same sequence; the c. name uses the placement nearest the transcript's 3' end. VCF-style (leftmost placement, unchanged base first): chr11-63635565-TCTC-T. GRCh37 (hg19) VCF-style: chr11-63403037-TCTC-T.
Other names: c.947_949del, p.Gly316del (NM_001290048.2); c.1001_1003delGAG (NM_015459.4); short protein forms G316del, G334del.
Identifiers: ClinVar variation 2852021 (VCV002852021.4), dbSNP rs1458280485, ClinGen allele CA599608759.